The following is an entry in ClinVar:

ClinVar aggregate classification (germline): Likely pathogenic (1 of 4 stars; one submission).

Conditions:
Simpson-Golabi-Behmel syndrome. Identifiers: Orphanet 373, MedGen C4317043, MONDO:0010731.

Submission:

Dubai Health Genomic Medicine Center, Dubai Health
Classification: Likely pathogenic for Simpson-Golabi-Behmel syndrome. Last evaluated: 2024-10-04. Review status: criteria provided, single submitter. Criteria: ACMG Guidelines, 2015. Collection method: research. Allele origin: germline. Affected: yes.
Comment: PVS1,PM2

NM_003611.3(OFD1):c.2757+1del

Gene: OFD1 (OFD1 centriole and centriolar satellite protein; plus strand). Cytogenetic location: Xp22.2.
Variant type: Deletion.
Coding change: c.2757+1del on transcript NM_003611.3 (MANE Select); the canonical splice donor site of the intron after coding-DNA position 2757, one base deleted (G; older notation c.2757+1delG).
Molecular consequence: splice donor variant.
Genome position (GRCh38, 1-based): chrX:13,767,285, G deleted; the last of 3 consecutive G bases (chrX:13,767,283-13,767,285); deleting any one gives the same sequence. VCF-style (leftmost placement, unchanged base first): chrX-13767282-AG-A. GRCh37 (hg19) VCF-style: chrX-13785401-AG-A.
Other names: c.2337+1del (NM_001330210.2); c.2637+1del (NM_001330209.2).
Identifiers: ClinVar variation 3384074 (VCV003384074.1).